The following is an entry in ClinVar:

NM_001378120.1(MBD5):c.1867A>G (p.Met623Val)

Gene: MBD5 (methyl-CpG binding domain protein 5; plus strand). Cytogenetic location: 2q23.1.
Variant type: single nucleotide variant.
Coding change: c.1867A>G on transcript NM_001378120.1 (MANE Select); coding-DNA position 1867, A replaced by G.
Protein change: p.Met623Val; replaces methionine 623 with valine.
Molecular consequence: missense variant.
Genome position (GRCh38, 1-based): chr2:148,469,810, A>G. VCF-style: chr2-148469810-A-G. GRCh37 (hg19) VCF-style: chr2-149227379-A-G.
Other names: c.1867A>G, p.Met623Val (NM_018328.5); short protein forms M623V.
Identifiers: ClinVar variation 2882639 (VCV002882639.3), dbSNP rs1335159571, ClinGen allele CA348720613.

ClinVar aggregate classification (germline): Uncertain significance (1 of 4 stars; one submission).

Conditions:
Intellectual developmental disorder, autosomal dominant 1. Also called: MBD5 Haploinsufficiency; Intellectual disability, autosomal dominant 1. Identifiers: Orphanet 228402, MedGen C1969562, MONDO:0007974, OMIM 156200.

Allele frequency attached by ClinVar (database versions not stated): gnomAD exomes 0.00001.
gnomAD v4.1: 7 of 1,613,886 alleles (0.00043%); highest among the groups gnomAD compares: Non-Finnish European, 0.00059%; no homozygotes.

Submission:

Labcorp Genetics (formerly Invitae), Labcorp
Classification: Uncertain significance for Intellectual developmental disorder, autosomal dominant 1. Last evaluated: 2024-06-24. Review status: criteria provided, single submitter. Criteria: Invitae Variant Classification Sherloc (09022015). Collection method: clinical testing. Allele origin: germline.
Comment: This sequence change replaces methionine, which is neutral and non-polar, with valine, which is neutral and non-polar, at codon 623 of the MBD5 protein (p.Met623Val). This variant is present in population databases (no rsID available, gnomAD 0.0009%). This variant has not been reported in the literature in individuals affected with MBD5-related conditions. Advanced modeling of protein sequence and biophysical properties (such as structural, functional, and spatial information, amino acid conservation, physicochemical variation, residue mobility, and thermodynamic stability) performed at Invitae indicates that this missense variant is not expected to disrupt MBD5 protein function with a negative predictive value of 80%. In summary, the available evidence is currently insufficient to determine the role of this variant in disease. Therefore, it has been classified as a Variant of Uncertain Significance.